The following is an entry in ClinVar:

ClinVar aggregate classification (germline): Uncertain significance. Review status: criteria provided, multiple submitters, no conflicts (2 of 4 stars). 4 submissions from 4 submitters: Uncertain significance (4). Last evaluated 2024-11-10.

Conditions:
Inborn genetic diseases. Identifiers: MedGen C0950123, MeSH D030342.
Basal ganglia calcification, idiopathic, 4 (PFBC4). Also called: Familial Idiopathic Basal Ganglia Calcification 4; PRIMARY FAMILIAL BRAIN CALCIFICATION 4, AUTOSOMAL DOMINANT. Identifiers: Orphanet 1980, MedGen C3554321, MONDO:0014004, OMIM 615007.
Acroosteolysis-keloid-like lesions-premature aging syndrome. Also called: Premature aging syndrome, Penttinen type; Prematurely aged appearance, delayed bone maturation, acro-osteolysis, and brachydactyly; Progeroid syndrome, Penttinen type. Identifiers: Orphanet 363665, MedGen C1866182, MONDO:0011150, OMIM 601812.
Skeletal overgrowth-craniofacial dysmorphism-hyperelastic skin-white matter lesions syndrome. Also called: SKELETAL OVERGROWTH WITH FACIAL DYSMORPHISM, HYPERELASTIC SKIN, WHITE MATTER LESIONS, AND NEUROLOGIC DETERIORATION; Kosaki overgrowth syndrome. Identifiers: Orphanet 477831, MedGen C4225270, MONDO:0014704, OMIM 616592.
Infantile myofibromatosis (IMF). Also called: Congenital generalized fibromatosis. Identifiers: Orphanet 2591, MedGen C0432284, MONDO:0016824.

gnomAD v4.1: 3 of 1,579,522 alleles (0.00019%); highest among the groups gnomAD compares: Non-Finnish European, 0.00026%; no homozygotes.

Submissions (4):

Ambry Genetics
Classification: Uncertain significance for Inborn genetic diseases. Last evaluated: 2024-11-10. Review status: criteria provided, single submitter. Criteria: Ambry Variant Classification Scheme 2023. Collection method: clinical testing. Allele origin: germline.

Women's Health and Genetics/Laboratory Corporation of America, LabCorp
Classification: Uncertain significance. Last evaluated: 2024-05-28. Review status: criteria provided, single submitter. Criteria: LabCorp Variant Classification Summary - May 2015. Collection method: clinical testing. Allele origin: germline.
Comment: Variant summary: PDGFRB c.377G>C (p.Gly126Ala) results in a non-conservative amino acid change in the encoded protein sequence. Four of five in-silico tools predict a benign effect of the variant on protein function. The variant allele was found at a frequency of 8.2e-06 in 243000 control chromosomes. The available data on variant occurrences in the general population are insufficient to allow any conclusion about variant significance. To our knowledge, no occurrence of c.377G>C in individuals affected with PDGFRB-Related Disorders and no experimental evidence demonstrating its impact on protein function have been reported. ClinVar contains an entry for this variant (Variation ID: 1706178). Based on the evidence outlined above, the variant was classified as uncertain significance.

Labcorp Genetics (formerly Invitae), Labcorp
Classification: Uncertain significance for Basal ganglia calcification, idiopathic, 4; Skeletal overgrowth-craniofacial dysmorphism-hyperelastic skin-white matter lesions syndrome; Infantile myofibromatosis; Acroosteolysis-keloid-like lesions-premature aging syndrome. Last evaluated: 2022-09-23. Review status: criteria provided, single submitter. Criteria: Invitae Variant Classification Sherloc (09022015). Collection method: clinical testing. Allele origin: germline.
Comment: This variant has not been reported in the literature in individuals affected with PDGFRB-related conditions. In summary, the available evidence is currently insufficient to determine the role of this variant in disease. Therefore, it has been classified as a Variant of Uncertain Significance. Advanced modeling of protein sequence and biophysical properties (such as structural, functional, and spatial information, amino acid conservation, physicochemical variation, residue mobility, and thermodynamic stability) performed at Invitae indicates that this missense variant is not expected to disrupt PDGFRB protein function. This variant is present in population databases (rs371293050, gnomAD 0.002%). This sequence change replaces glycine, which is neutral and non-polar, with alanine, which is neutral and non-polar, at codon 126 of the PDGFRB protein (p.Gly126Ala).

GeneDx
Classification: Uncertain significance. Last evaluated: 2022-03-14. Review status: criteria provided, single submitter. Criteria: GeneDx Variant Classification Process June 2021. Collection method: clinical testing. Allele origin: germline. Affected: yes.
Comment: Not observed at significant frequency in large population cohorts (gnomAD); In silico analysis supports that this missense variant does not alter protein structure/function; Has not been previously published as pathogenic or benign to our knowledge

NM_002609.4(PDGFRB):c.377G>C (p.Gly126Ala)

Gene: PDGFRB (platelet derived growth factor receptor beta; minus strand). Cytogenetic location: 5q32.
Variant type: single nucleotide variant.
Coding change: c.377G>C on transcript NM_002609.4 (MANE Select); coding-DNA position 377, G replaced by C.
Protein change: p.Gly126Ala; replaces glycine 126 with alanine.
Molecular consequence: missense variant. On other transcripts: 5 prime UTR variant (1).
Genome position (GRCh38, 1-based): chr5:150,135,004, C>G on the plus strand (G>C on the coding strand, the complement: PDGFRB is on the minus strand). VCF-style: chr5-150135004-C-G. GRCh37 (hg19) VCF-style: chr5-149514567-C-G.
Other names: c.185G>C, p.Gly62Ala (NM_001355016.2); c.-141G>C (NM_001355017.2); short protein forms G126A, G62A.
Identifiers: ClinVar variation 1706178 (VCV001706178.9), dbSNP rs371293050, ClinGen allele CA3508317.